The following is an entry in ClinVar:

ClinVar aggregate classification (germline): Pathogenic (1 of 4 stars; one submission).

Conditions:
Osteogenesis imperfecta type I (OI1). Also called: Classic Non-deforming Osteogenesis Imperfecta with Blue Sclerae; Lobstein's Disease; Lobstein disease; OI, TYPE I; OSTEOGENESIS IMPERFECTA TARDA; OSTEOGENESIS IMPERFECTA WITH BLUE SCLERAE. Identifiers: Orphanet 216796, Orphanet 666, MedGen C0023931, MONDO:0008146, OMIM 166200. Disease mechanism: loss of function.

Submission:

Labcorp Genetics (formerly Invitae), Labcorp
Classification: Pathogenic for Osteogenesis imperfecta type I. Last evaluated: 2024-01-25. Review status: criteria provided, single submitter. Criteria: Invitae Variant Classification Sherloc (09022015). Collection method: clinical testing. Allele origin: germline.
Comment: This sequence change affects an acceptor splice site in intron 29 of the COL1A1 gene. It is expected to disrupt RNA splicing. Variants that disrupt the donor or acceptor splice site typically lead to a loss of protein function (PMID: 16199547), and loss-of-function variants in COL1A1 are known to be pathogenic (PMID: 7942841, 9295084, 9443882). This variant is not present in population databases (gnomAD no frequency). Disruption of this splice site has been observed in individuals with osteogenesis imperfecta types 1 and 3 (PMID: 17078022, 27509835). ClinVar contains an entry for this variant (Variation ID: 1436187). Algorithms developed to predict the effect of sequence changes on RNA splicing suggest that this variant may disrupt the consensus splice site. For these reasons, this variant has been classified as Pathogenic.

Literature cited by the submitters: PubMed 16199547; PubMed 7942841; PubMed 9295084; PubMed 9443882; PubMed 17078022; PubMed 27509835.

NM_000088.4(COL1A1):c.1984-2A>T

Gene: COL1A1 (collagen type I alpha 1 chain; minus strand). Cytogenetic location: 17q21.33.
Variant type: single nucleotide variant.
Coding change: c.1984-2A>T on transcript NM_000088.4 (MANE Select); the canonical splice acceptor site of the intron before coding-DNA position 1984, A replaced by T.
Molecular consequence: splice acceptor variant.
Genome position (GRCh38, 1-based): chr17:50,192,026, T>A on the plus strand (A>T on the coding strand, the complement: COL1A1 is on the minus strand). VCF-style: chr17-50192026-T-A. GRCh37 (hg19) VCF-style: chr17-48269387-T-A.
Identifiers: ClinVar variation 1436187 (VCV001436187.6), dbSNP rs72651632, ClinGen allele CA400212642.
Genomic context (GRCh38, chr17:50,192,026, plus strand): 5'-AGAGGCCTACTTACTCTTGCTCCAGAGGGGCCAGGGGCGCCAAGGTCTCCAGGAACACCC[T>A]GAGGGGGAGGGAGAGAGGAACAGACAGTGAGCAAAACCCACCTGGGGCCACTCTGCTGGA-3'